The following is an entry in ClinVar:

ClinVar aggregate classification (germline): Likely pathogenic (1 of 4 stars; one submission).

Conditions:
Niemann-Pick disease, type C1. Also called: NEUROVISCERAL STORAGE DISEASE WITH VERTICAL SUPRANUCLEAR OPHTHALMOPLEGIA; NIEMANN-PICK DISEASE WITH CHOLESTEROL ESTERIFICATION BLOCK; NIEMANN-PICK DISEASE WITHOUT SPHINGOMYELINASE DEFICIENCY; NIEMANN-PICK DISEASE, CHRONIC NEURONOPATHIC FORM; NIEMANN-PICK DISEASE, VARIANT TYPE C1. Identifiers: Orphanet 646, MedGen C3179455, MONDO:0009757, OMIM 257220.

Submission:

Myriad Genetics, Inc.
Classification: Likely pathogenic for Niemann-Pick disease, type C1. Last evaluated: 2021-11-16. Review status: criteria provided, single submitter. Criteria: Myriad Women's Health Autosomal Recessive and X-Linked Classification Criteria (2021). Collection method: clinical testing. Allele origin: unknown.
Comment: NM_000271.4(NPC1):c.378delT(E127Kfs*15) is expected to be pathogenic in the context of Niemann-Pick disease type C1. This variant is predicted to lead to an abnormal or absent protein product due to the creation of a premature termination codon in NPC1, a gene where loss-of-function variants are known to be pathogenic. Please note: this variant was assessed in the context of healthy population screening.

NM_000271.5(NPC1):c.378del (p.Glu127fs)

Gene: NPC1 (NPC intracellular cholesterol transporter 1; minus strand). Cytogenetic location: 18q11.2.
Variant type: Deletion.
Coding change: c.378del on transcript NM_000271.5 (MANE Select); coding-DNA position 378, one base deleted (T; older notation c.378delT).
Protein change: p.Glu127fs; shifts the reading frame from glutamic acid 127.
Molecular consequence: frameshift variant.
Genome position (GRCh38, 1-based): chr18:23,568,908, A deleted on the plus strand (T on the coding strand, the reverse complement: NPC1 is on the minus strand). VCF-style (leftmost placement, unchanged base first): chr18-23568907-CA-C. GRCh37 (hg19) VCF-style: chr18-21148871-CA-C.
Other names: short protein forms E127fs.
Identifiers: ClinVar variation 1724659 (VCV001724659.2), dbSNP rs2511341154, ClinGen allele CA2580095649.
Genomic context (GRCh38, chr18:23,568,907, plus strand): 5'-AGTATTGTAACTCTTTCACATTTGTTTTCGTCTGGTTTGTAACAGGATCAACATAATCTT[CA>C]GTAGCTGTAACATTCAAAAACTGACTCTGTCGAGGGCTACATGTCAGCTCACAAAACAGG-3'